The following is an entry in ClinVar:

NM_004006.3(DMD):c.6572G>A (p.Arg2191Gln)

Gene: DMD (dystrophin; minus strand). Cytogenetic location: Xp21.1.
Variant type: single nucleotide variant.
Coding change: c.6572G>A on transcript NM_004006.3 (MANE Select); coding-DNA position 6572, G replaced by A.
Protein change: p.Arg2191Gln; replaces arginine 2191 with glutamine.
Molecular consequence: missense variant. On other transcripts: 5 prime UTR variant (5).
Genome position (GRCh38, 1-based): chrX:31,968,381, C>T on the plus strand (G>A on the coding strand, the complement: DMD is on the minus strand). VCF-style: chrX-31968381-C-T. GRCh37 (hg19) VCF-style: chrX-31986498-C-T.
Other names: c.6548G>A, p.Arg2183Gln (NM_000109.4); c.6560G>A, p.Arg2187Gln (NM_004009.3); c.6203G>A, p.Arg2068Gln (NM_004010.3); c.2549G>A, p.Arg850Gln (NM_004011.4); c.2540G>A, p.Arg847Gln (NM_004012.4); c.-809G>A (NM_004013.3, NM_004020.4, NM_004021.3 and 2 more transcripts); short protein forms R2191Q, R847Q, R2068Q, R2183Q, R2187Q, R850Q.
Identifiers: ClinVar variation 449172 (VCV000449172.12), dbSNP rs756238158, ClinGen allele CA10378442.

ClinVar aggregate classification (germline): Conflicting classifications of pathogenicity. Review status: criteria provided, conflicting classifications (1 of 4 stars). 6 submissions from 6 submitters: Uncertain significance (3); Likely benign (2). 1 of the submissions does not count toward it. Last evaluated 2026-05-28.

Conditions:
Becker muscular dystrophy (BMD). Also called: MUSCULAR DYSTROPHY, PSEUDOHYPERTROPHIC PROGRESSIVE, BECKER TYPE; Becker Muscular Dystrophy (BMD). Identifiers: Orphanet 98895, MedGen C0917713, MONDO:0010311, OMIM 300376.
Cardiomyopathy (CMYO). Also called: Cardiomyopathies. Identifiers: Orphanet 167848, MedGen C0878544, MONDO:0004994, HP:0001638. Inheritance: Various modes of inheritance.
Duchenne muscular dystrophy (DMD). Also called: MUSCULAR DYSTROPHY, PSEUDOHYPERTROPHIC PROGRESSIVE, DUCHENNE TYPE; Duchenne Muscular Dystrophy (DMD). Identifiers: Orphanet 98896, MedGen C0013264, MONDO:0010679, OMIM 310200.
Dystrophin deficiency.
Cardiovascular phenotype. Identifiers: MedGen CN230736.
Dilated cardiomyopathy 3B (CMD3B). Also called: CMD3B: DMD-Related Dilated Cardiomyopathy; CARDIOMYOPATHY, DILATED, X-LINKED; DMD-Associated Dilated Cardiomyopathy. Identifiers: Orphanet 154, MedGen C3668940, MONDO:0010542, OMIM 302045.

Allele frequency attached by ClinVar (database versions not stated): ExAC below 0.00001; TOPMed 0.00002; gnomAD 0.00003.
gnomAD v4.1: 22 of 1,208,721 alleles (0.0018%); highest among the groups gnomAD compares: Non-Finnish European, 0.0025%; no homozygotes.

Submissions (6):

Ambry Genetics
Classification: Likely benign for Cardiovascular phenotype. Last evaluated: 2026-05-28. Review status: criteria provided, single submitter. Criteria: Ambry Variant Classification Scheme 2023. Collection method: clinical testing. Allele origin: germline.

Labcorp Genetics (formerly Invitae), Labcorp
Classification: Likely benign for Duchenne muscular dystrophy. Last evaluated: 2026-01-09. Review status: criteria provided, single submitter. Criteria: Invitae Variant Classification Sherloc (09022015). Collection method: clinical testing. Allele origin: germline.

Fulgent Genetics
Classification: Uncertain significance for Becker muscular dystrophy; Dilated cardiomyopathy 3B; Duchenne muscular dystrophy. Last evaluated: 2021-07-13. Review status: criteria provided, single submitter. Criteria: ACMG Guidelines, 2015. Collection method: clinical testing. Allele origin: unknown.

Revvity Omics, Revvity
Classification: Uncertain significance. Last evaluated: 2019-10-18. Review status: criteria provided, single submitter. Criteria: ACMG Guidelines, 2015. Collection method: clinical testing. Allele origin: germline.

GeneDx
Classification: Uncertain significance. Last evaluated: 2016-03-08. Review status: criteria provided, single submitter. Criteria: GeneDx Variant Classification (06012015). Collection method: clinical testing. Allele origin: germline. Affected: yes.
Comment: A variant of uncertain significance has been identified in the DMD gene. The R2191Q variant has not been published as a pathogenic variant, nor has it been reported as a benign variant to our knowledge. It was not observed in approximately 6,500 individuals of European and African American ancestry in an external variant database, indicating it is not a common benign variant in these populations. In addition, the R2191Q variant is a semi-conservative amino acid substitution, which may impact secondary protein structure as these residues differ in some properties. Although this substitution occurs at a position that is conserved across most species, Glutamine is tolerated at this position in the Megabat. Furthermore, in silico analysis is inconsistent in its predictions as to whether or not the variant is damaging to the protein structure/function.Therefore, based on the currently available information, it is unclear whether this variant is pathogenic or benign.

Natera, Inc.
Classification: Uncertain significance for Becker muscular dystrophy; Cardiomyopathy; Duchenne muscular dystrophy; Dystrophin deficiency. Last evaluated: 2018-05-04. Review status: no assertion criteria provided. Collection method: clinical testing. Allele origin: germline. Not counted in ClinVar's aggregate classification.